The following is an entry in ClinVar:

NM_001370497.1(ABCC11):c.1560G>A (p.Gly520=)

Gene: ABCC11 (ATP binding cassette subfamily C member 11; minus strand). Cytogenetic location: 16q12.1.
Variant type: single nucleotide variant.
Coding change: c.1560G>A on transcript NM_001370497.1 (MANE Select); coding-DNA position 1560, G replaced by A.
Protein change: p.Gly520=; no amino-acid change (glycine 520 retained).
Molecular consequence: synonymous variant.
Genome position (GRCh38, 1-based): chr16:48,210,996, C>T on the plus strand (G>A on the coding strand, the complement: ABCC11 is on the minus strand). VCF-style: chr16-48210996-C-T. GRCh37 (hg19) VCF-style: chr16-48244907-C-T.
Other names: c.1560G>A, p.Gly520= (NM_001370496.1, NM_032583.4, NM_033151.4 and 1 more transcripts).
Identifiers: ClinVar variation 2646498 (VCV002646498.24), dbSNP rs2544094103, ClinGen allele CA495442832.

ClinVar aggregate classification (germline): Likely benign (1 of 4 stars; one submission).

Allele frequency attached by ClinVar (database versions not stated): gnomAD exomes below 0.00001.
gnomAD v4.1: 3 of 1,614,180 alleles (0.00019%); highest among the groups gnomAD compares: Middle Eastern, 0.033%; no homozygotes.

Submission:

CeGaT Center for Human Genetics Tuebingen
Classification: Likely benign. Last evaluated: 2023-03-01. Review status: criteria provided, single submitter. Criteria: CeGaT Center For Human Genetics Tuebingen Variant Classification Criteria Version 2. Collection method: clinical testing. Allele origin: germline. Affected: yes. Observed: 1 variant allele.
Comment: ABCC11: PM2:Supporting, BP4, BP7